The following is an entry in ClinVar:

NM_002693.3(POLG):c.360G>T (p.Leu120Phe)

Genes: POLG (DNA polymerase gamma, catalytic subunit; minus strand), POLGARF (POLG alternative reading frame; minus strand). Cytogenetic location: 15q26.1.
Variant type: single nucleotide variant.
Coding change: c.360G>T on transcript NM_002693.3 (MANE Select); coding-DNA position 360, G replaced by T.
Protein change: p.Leu120Phe; replaces leucine 120 with phenylalanine.
Molecular consequence: missense variant.
Genome position (GRCh38, 1-based): chr15:89,333,395, C>A on the plus strand (G>T on the coding strand, the complement: POLG is on the minus strand). VCF-style: chr15-89333395-C-A. GRCh37 (hg19) VCF-style: chr15-89876626-C-A.
Other names: c.360G>T, p.Leu120Phe (NM_001126131.2); short protein forms L120F.
Identifiers: ClinVar variation 288459 (VCV000288459.10), dbSNP rs886043905, ClinGen allele CA10606097.

ClinVar aggregate classification (germline): Uncertain significance. Review status: criteria provided, multiple submitters, no conflicts (2 of 4 stars). 2 submissions from 2 submitters: Uncertain significance (2). Last evaluated 2022-02-04.

Conditions:
Progressive sclerosing poliodystrophy (MTDPS4A). Also called: ALPERS PROGRESSIVE INFANTILE POLIODYSTROPHY; NEURONAL DEGENERATION OF CHILDHOOD WITH LIVER DISEASE, PROGRESSIVE; Mitochondrial DNA Depletion Syndrome 4A; Alpers Syndrome; ALPERS DIFFUSE DEGENERATION OF CEREBRAL GRAY MATTER WITH HEPATIC CIRRHOSIS; Alpers-Huttenlocher Syndrome. Identifiers: Orphanet 726, MedGen C0205710, MONDO:0008758, OMIM 203700.

Allele frequency attached by ClinVar (database versions not stated): gnomAD 0.00001; TOPMed 0.00001.

Submissions (2):

Labcorp Genetics (formerly Invitae), Labcorp
Classification: Uncertain significance for Progressive sclerosing poliodystrophy. Last evaluated: 2022-02-04. Review status: criteria provided, single submitter. Criteria: Invitae Variant Classification Sherloc (09022015). Collection method: clinical testing. Allele origin: germline.
Comment: This sequence change replaces leucine, which is neutral and non-polar, with phenylalanine, which is neutral and non-polar, at codon 120 of the POLG protein (p.Leu120Phe). This variant is not present in population databases (gnomAD no frequency). This variant has not been reported in the literature in individuals affected with POLG-related conditions. ClinVar contains an entry for this variant (Variation ID: 288459). Algorithms developed to predict the effect of missense changes on protein structure and function are either unavailable or do not agree on the potential impact of this missense change (SIFT: "Tolerated"; PolyPhen-2: "Probably Damaging"; Align-GVGD: "Class C0"). In summary, the available evidence is currently insufficient to determine the role of this variant in disease. Therefore, it has been classified as a Variant of Uncertain Significance.

Eurofins Ntd Llc (ga)
Classification: Uncertain significance. Last evaluated: 2016-05-31. Review status: criteria provided, single submitter. Criteria: EGL Classification Definitions 2015. Collection method: clinical testing. Allele origin: germline. Observed: 1 variant allele, 1 heterozygote.